The following is an entry in ClinVar:

NM_030930.4(UNC93B1):c.1165G>A (p.Ala389Thr)

Gene: UNC93B1 (unc-93B1 regulator of TLR signaling; minus strand). Cytogenetic location: 11q13.2.
Variant type: single nucleotide variant.
Coding change: c.1165G>A on transcript NM_030930.4 (MANE Select); coding-DNA position 1165, G replaced by A.
Protein change: p.Ala389Thr; replaces alanine 389 with threonine.
Molecular consequence: missense variant.
Genome position (GRCh38, 1-based): chr11:67,995,809, C>T on the plus strand (G>A on the coding strand, the complement: UNC93B1 is on the minus strand). VCF-style: chr11-67995809-C-T. GRCh37 (hg19) VCF-style: chr11-67763280-C-T.
Other names: short protein forms A389T.
Identifiers: ClinVar variation 1937246 (VCV001937246.5), dbSNP rs956671915, ClinGen allele CA224212607.
Genomic context (GRCh38, chr11:67,995,809, plus strand): 5'-CTCCGGCCACCAGGGGCACCGGGCGTGGCAGCCACAGGCCCAGCAGGCCCAGGAGTGAGG[C>T]GGCTGAGGCGCCCAGGCTGTAAGCCACGAGGAGGTAAGCCAGCCGCTCCAGCCCCACCGA-3'
Protein context (NP_112192.2, residues 379-399): LVAYSLGASA[Ala389Thr]SLLGLLGLWL

ClinVar aggregate classification (germline): Uncertain significance (1 of 4 stars; one submission).

Conditions:
Encephalopathy, acute, infection-induced (herpes-specific), susceptibility to, 1. Also called: Herpes simplex encephalitis, susceptibility to, 1. Identifiers: Orphanet 1930, MedGen C2750180, MONDO:0024563, OMIM 610551.

Allele frequency attached by ClinVar (database versions not stated): gnomAD 0.00001; TOPMed 0.00002; gnomAD exomes 0.00004.
gnomAD v4.1: 60 of 1,546,468 alleles (0.0039%); highest among the groups gnomAD compares: Non-Finnish European, 0.0051%; no homozygotes.

Submission:

Labcorp Genetics (formerly Invitae), Labcorp
Classification: Uncertain significance for Encephalopathy, acute, infection-induced (herpes-specific), susceptibility to, 1. Last evaluated: 2024-04-10. Review status: criteria provided, single submitter. Criteria: Invitae Variant Classification Sherloc (09022015). Collection method: clinical testing. Allele origin: germline.
Comment: This sequence change replaces alanine, which is neutral and non-polar, with threonine, which is neutral and polar, at codon 389 of the UNC93B1 protein (p.Ala389Thr). This variant is not present in population databases (gnomAD no frequency). This variant has not been reported in the literature in individuals affected with UNC93B1-related conditions. ClinVar contains an entry for this variant (Variation ID: 1937246). Experimental studies and prediction algorithms are not available or were not evaluated, and the functional significance of this variant is currently unknown. In summary, the available evidence is currently insufficient to determine the role of this variant in disease. Therefore, it has been classified as a Variant of Uncertain Significance.